The following is an entry in ClinVar:

NM_001308210.2(TSHZ1):c.2123T>G (p.Leu708Arg)

Gene: TSHZ1 (teashirt zinc finger homeobox 1; plus strand). Cytogenetic location: 18q22.3.
Variant type: single nucleotide variant.
Coding change: c.2123T>G on transcript NM_001308210.2 (MANE Select); coding-DNA position 2123, T replaced by G.
Protein change: p.Leu708Arg; replaces leucine 708 with arginine.
Molecular consequence: missense variant.
Genome position (GRCh38, 1-based): chr18:75,287,530, T>G. VCF-style: chr18-75287530-T-G. GRCh37 (hg19) VCF-style: chr18-72999485-T-G.
Other names: c.1988T>G, p.Leu663Arg (NM_005786.6); c.1988T>G (NM_005786.5); short protein forms L708R, L663R.
Identifiers: ClinVar variation 3329593 (VCV003329593.2).

ClinVar aggregate classification (germline): Uncertain significance. Review status: criteria provided, multiple submitters, no conflicts (2 of 4 stars). 2 submissions from 2 submitters: Uncertain significance (2). Last evaluated 2025-09-05.

Conditions:
TSHZ1-related disorder. Also called: TSHZ1-related condition.

gnomAD v4.1: 4 of 1,614,116 alleles (0.00025%); highest among the groups gnomAD compares: Non-Finnish European, 0.00034%; no homozygotes.

Submissions (2):

PreventionGenetics, part of Exact Sciences
Classification: Uncertain significance for TSHZ1-related condition. Last evaluated: 2025-09-05. Review status: criteria provided, single submitter. Criteria: ACMG Guidelines, 2015. Collection method: clinical testing. Allele origin: germline.
Comment: The TSHZ1 c.1988T>G variant is predicted to result in the amino acid substitution p.Leu663Arg. To our knowledge, this variant has not been reported in the literature or in a large population database (gnomAD), indicating this variant is rare. At this time, the clinical significance of this variant is uncertain due to the absence of conclusive functional and genetic evidence.

Ambry Genetics
Classification: Uncertain significance. Last evaluated: 2024-06-05. Review status: criteria provided, single submitter. Criteria: Ambry Variant Classification Scheme 2023. Collection method: clinical testing. Allele origin: germline.